The following is an entry in ClinVar:

ClinVar aggregate classification (germline): Uncertain significance (1 of 4 stars; one submission).

Allele frequency attached by ClinVar (database versions not stated): gnomAD 0.00004; gnomAD exomes 0.00005; ESP Exome Variant Server 0.00008; ExAC 0.00011.

Submission:

Labcorp Genetics (formerly Invitae), Labcorp
Classification: Uncertain significance. Last evaluated: 2022-10-03. Review status: criteria provided, single submitter. Criteria: Invitae Variant Classification Sherloc (09022015). Collection method: clinical testing. Allele origin: germline.
Comment: This sequence change replaces glutamine, which is neutral and polar, with arginine, which is basic and polar, at codon 404 of the CYP11B2 protein (p.Gln404Arg). This variant is present in population databases (rs139367087, gnomAD 0.1%). This variant has not been reported in the literature in individuals affected with CYP11B2-related conditions. Advanced modeling of protein sequence and biophysical properties (such as structural, functional, and spatial information, amino acid conservation, physicochemical variation, residue mobility, and thermodynamic stability) performed at Invitae indicates that this missense variant is not expected to disrupt CYP11B2 protein function. Experimental studies have shown that this missense change affects CYP11B2 function (PMID: 18710464). Algorithms developed to predict the effect of sequence changes on RNA splicing suggest that this variant may create or strengthen a splice site. In summary, the available evidence is currently insufficient to determine the role of this variant in disease. Therefore, it has been classified as a Variant of Uncertain Significance.

Literature cited by the submitters: PubMed 18710464.

NM_000498.3(CYP11B2):c.1211A>G (p.Gln404Arg)

Genes: CYP11B2 (cytochrome P450 family 11 subfamily B member 2; minus strand), LOC106799834 (CYP11B2 recombination region; plus strand). Cytogenetic location: 8q24.3.
Variant type: single nucleotide variant.
Coding change: c.1211A>G on transcript NM_000498.3 (MANE Select); coding-DNA position 1211, A replaced by G.
Protein change: p.Gln404Arg; replaces glutamine 404 with arginine.
Molecular consequence: missense variant.
Genome position (GRCh38, 1-based): chr8:142,912,717, T>C on the plus strand (A>G on the coding strand, the complement: CYP11B2 is on the minus strand). VCF-style: chr8-142912717-T-C. GRCh37 (hg19) VCF-style: chr8-143994133-T-C.
Other names: short protein forms Q404R.
Identifiers: ClinVar variation 2077064 (VCV002077064.1), dbSNP rs139367087, ClinGen allele CA4905880.